The following is an entry in ClinVar:

NM_174936.4(PCSK9):c.1838A>C (p.His613Pro)

Gene: PCSK9 (proprotein convertase subtilisin/kexin type 9; plus strand). Cytogenetic location: 1p32.3.
Variant type: single nucleotide variant.
Coding change: c.1838A>C on transcript NM_174936.4 (MANE Select); coding-DNA position 1838, A replaced by C.
Protein change: p.His613Pro; replaces histidine 613 with proline.
Molecular consequence: missense variant. On other transcripts: non-coding transcript variant (8).
Genome position (GRCh38, 1-based): chr1:55,061,531, A>C. VCF-style: chr1-55061531-A-C. GRCh37 (hg19) VCF-style: chr1-55527204-A-C.
Other names: c.1961A>C, p.His654Pro (NM_001407240.1); c.1880A>C, p.His627Pro (NM_001407241.1); c.1841A>C, p.His614Pro (NM_001407242.1); c.1781A>C, p.His594Pro (NM_001407243.1); c.1664A>C, p.His555Pro (NM_001407244.1); c.1646A>C, p.His549Pro (NM_001407245.1); c.1463A>C, p.His488Pro (NM_001407246.1); c.1337A>C, p.His446Pro (NM_001407247.1); short protein forms H446P, H594P, H613P, H549P, H614P, H654P, H488P, H555P.
Identifiers: ClinVar variation 3929791 (VCV003929791.1).

ClinVar aggregate classification (germline): Uncertain significance (1 of 4 stars; one submission).

Conditions:
Cardiovascular phenotype. Identifiers: MedGen CN230736.

Submission:

Ambry Genetics
Classification: Uncertain significance for Cardiovascular phenotype. Last evaluated: 2025-05-15. Review status: criteria provided, single submitter. Criteria: Ambry Variant Classification Scheme 2023. Collection method: clinical testing. Allele origin: germline.
Comment: The p.H613P variant (also known as c.1838A>C), located in coding exon 11 of the PCSK9 gene, results from an A to C substitution at nucleotide position 1838. The histidine at codon 613 is replaced by proline, an amino acid with similar properties. This amino acid position is conserved. In addition, this alteration is predicted to be tolerated by in silico analysis. Based on the available evidence, the clinical significance of this variant remains unclear.